The following is an entry in ClinVar:

NM_015466.4(PTPN23):c.3121C>G (p.Pro1041Ala)

Gene: PTPN23 (protein tyrosine phosphatase non-receptor type 23; plus strand). Cytogenetic location: 3p21.31.
Variant type: single nucleotide variant.
Coding change: c.3121C>G on transcript NM_015466.4 (MANE Select); coding-DNA position 3121, C replaced by G.
Protein change: p.Pro1041Ala; replaces proline 1041 with alanine.
Molecular consequence: missense variant.
Genome position (GRCh38, 1-based): chr3:47,410,919, C>G. VCF-style: chr3-47410919-C-G. GRCh37 (hg19) VCF-style: chr3-47452409-C-G.
Other names: c.2743C>G, p.Pro915Ala (NM_001304482.2); short protein forms P915A, P1041A.
Identifiers: ClinVar variation 1463354 (VCV001463354.3), dbSNP rs138978789, ClinGen allele CA2366206.

ClinVar aggregate classification (germline): Uncertain significance (1 of 4 stars; one submission).

Allele frequency attached by ClinVar (database versions not stated): ExAC 0.00004; gnomAD exomes 0.00004; gnomAD 0.00016 and 0.00019; TOPMed 0.00019; ESP Exome Variant Server 0.00038.
gnomAD v4.1: 34 of 1,610,518 alleles (0.0021%); highest among the groups gnomAD compares: African/African-American, 0.044%; no homozygotes.

Submission:

Labcorp Genetics (formerly Invitae), Labcorp
Classification: Uncertain significance. Last evaluated: 2022-07-02. Review status: criteria provided, single submitter. Criteria: Invitae Variant Classification Sherloc (09022015). Collection method: clinical testing. Allele origin: germline.
Comment: This sequence change replaces proline, which is neutral and non-polar, with alanine, which is neutral and non-polar, at codon 1041 of the PTPN23 protein (p.Pro1041Ala). This variant is present in population databases (rs138978789, gnomAD 0.06%). This variant has not been reported in the literature in individuals affected with PTPN23-related conditions. ClinVar contains an entry for this variant (Variation ID: 1463354). Algorithms developed to predict the effect of missense changes on protein structure and function are either unavailable or do not agree on the potential impact of this missense change (SIFT: "Tolerated"; PolyPhen-2: "Possibly Damaging"; Align-GVGD: "Class C0"). In summary, the available evidence is currently insufficient to determine the role of this variant in disease. Therefore, it has been classified as a Variant of Uncertain Significance.